The following is an entry in ClinVar:

NM_201384.3(PLEC):c.10561C>G (p.Leu3521Val)

Gene: PLEC (plectin; minus strand). Cytogenetic location: 8q24.3.
Variant type: single nucleotide variant.
Coding change: c.10561C>G on transcript NM_201384.3 (MANE Select); coding-DNA position 10561, C replaced by G.
Protein change: p.Leu3521Val; replaces leucine 3521 with valine.
Molecular consequence: missense variant.
Genome position (GRCh38, 1-based): chr8:143,919,260, G>C on the plus strand (C>G on the coding strand, the complement: PLEC is on the minus strand). VCF-style: chr8-143919260-G-C. GRCh37 (hg19) VCF-style: chr8-144993428-G-C.
Other names: c.10519C>G, p.Leu3507Val (NM_201378.4); c.10495C>G, p.Leu3499Val (NM_201379.3); c.10972C>G, p.Leu3658Val (NM_201380.4); c.10465C>G, p.Leu3489Val (NM_201381.3); c.10561C>G, p.Leu3521Val (NM_201382.4); c.10573C>G, p.Leu3525Val (NM_201383.3); c.10642C>G (NM_000445.3); c.10642C>G, p.Leu3548Val (NM_000445.5); short protein forms L3499V, L3525V, L3521V, L3548V, L3489V, L3507V, L3658V.
Identifiers: ClinVar variation 1491849 (VCV001491849.9), dbSNP rs782316417, ClinGen allele CA4924609.

ClinVar aggregate classification (germline): Uncertain significance. Review status: criteria provided, multiple submitters, no conflicts (2 of 4 stars). 2 submissions from 2 submitters: Uncertain significance (2). Last evaluated 2025-08-04.

Conditions:
Epidermolysis bullosa simplex 5B, with muscular dystrophy (EBS5B). Also called: EPIDERMOLYSIS BULLOSA SIMPLEX AND LIMB-GIRDLE MUSCULAR DYSTROPHY; Epidermolysis bullosa simplex with muscular dystrophy. Identifiers: Orphanet 257, MedGen C2931072, MONDO:0009181, OMIM 226670.
Epidermolysis bullosa simplex 5C, with pyloric atresia (EBS5C). Also called: PLEC1-Related Epidermolysis Bullosa with Pyloric Atresia; PLEC-Related Epidermolysis Bullosa with Pyloric Atresia; Epidermolysis bullosa simplex with pyloric atresia. Identifiers: Orphanet 158684, MedGen C2677349, MONDO:0012807, OMIM 612138.
Epidermolysis bullosa simplex, Ogna type (EBS5A). Also called: Pidermolysis bullosa simplex 5A, Ogna type; EPIDERMOLYSIS BULLOSA SIMPLEX 5A, OGNA TYPE. Identifiers: Orphanet 79401, MedGen C0432317, MONDO:0007555, OMIM 131950.
Autosomal recessive limb-girdle muscular dystrophy type 2Q (LGMDR17). Also called: MUSCULAR DYSTROPHY, LIMB-GIRDLE, AUTOSOMAL RECESSIVE 17. Identifiers: Orphanet 254361, MedGen C3150989, MONDO:0013390, OMIM 613723.
Epidermolysis bullosa simplex with nail dystrophy (EBS5D). Identifiers: MedGen C4225309, MONDO:0014661, OMIM 616487.
Inborn genetic diseases. Identifiers: MedGen C0950123, MeSH D030342.

Allele frequency attached by ClinVar (database versions not stated): gnomAD exomes 0.00001; TOPMed 0.00001; ExAC 0.00002.
gnomAD v4.1: 12 of 1,613,938 alleles (0.00074%); highest among the groups gnomAD compares: South Asian, 0.0011%; no homozygotes.

Submissions (2):

Ambry Genetics
Classification: Uncertain significance for Inborn genetic diseases. Last evaluated: 2025-08-04. Review status: criteria provided, single submitter. Criteria: Ambry Variant Classification Scheme 2023. Collection method: clinical testing. Allele origin: germline.

Labcorp Genetics (formerly Invitae), Labcorp
Classification: Uncertain significance for Autosomal recessive limb-girdle muscular dystrophy type 2Q; Epidermolysis bullosa simplex, Ogna type; Epidermolysis bullosa simplex with nail dystrophy; Epidermolysis bullosa simplex 5C, with pyloric atresia; Epidermolysis bullosa simplex 5B, with muscular dystrophy. Last evaluated: 2021-02-09. Review status: criteria provided, single submitter. Criteria: Invitae Variant Classification Sherloc (09022015). Collection method: clinical testing. Allele origin: germline.
Comment: In summary, the available evidence is currently insufficient to determine the role of this variant in disease. Therefore, it has been classified as a Variant of Uncertain Significance. Algorithms developed to predict the effect of missense changes on protein structure and function (SIFT, PolyPhen-2, Align-GVGD) all suggest that this variant is likely to be tolerated, but these predictions have not been confirmed by published functional studies and their clinical significance is uncertain. This variant has not been reported in the literature in individuals with PLEC-related conditions. This variant is present in population databases (rs782316417, ExAC 0.006%). This sequence change replaces leucine with valine at codon 3548 of the PLEC protein (p.Leu3548Val). The leucine residue is moderately conserved and there is a small physicochemical difference between leucine and valine.